The following is an entry in ClinVar:

NM_005956.4(MTHFD1):c.241-4_250del

Gene: MTHFD1 (methylenetetrahydrofolate dehydrogenase, cyclohydrolase and formyltetrahydrofolate synthetase 1; plus strand). Cytogenetic location: 14q23.3.
Variant type: Deletion.
Coding change: c.241-4_250del on transcript NM_005956.4 (MANE Select); 4 bases into the intron before coding-DNA position 241 through coding-DNA position 250, 14 bases deleted (TTAGGTGATGAAGT).
Molecular consequence: splice acceptor variant.
Genome position (GRCh38, 1-based): chr14:64,415,354-64,415,367, TTAGGTGATGAAGT deleted; deleting any 14 consecutive bases within chr14:64,415,353-64,415,367 gives the same sequence; the c. name uses the placement nearest the transcript's 3' end. VCF-style (leftmost placement, unchanged base first): chr14-64415352-TTTTAGGTGATGAAG-T. GRCh37 (hg19) VCF-style: chr14-64882070-TTTTAGGTGATGAAG-T.
Other names: c.241-4_250del (NM_001364837.1).
Identifiers: ClinVar variation 3722181 (VCV003722181.2).

ClinVar aggregate classification (germline): Likely pathogenic (1 of 4 stars; one submission).

Submission:

Labcorp Genetics (formerly Invitae), Labcorp
Classification: Likely pathogenic. Last evaluated: 2024-10-10. Review status: criteria provided, single submitter. Criteria: Invitae Variant Classification Sherloc (09022015). Collection method: clinical testing. Allele origin: germline.
Comment: This variant results in the deletion of part of exon 5 (c.241-4_250del) of the MTHFD1 gene. It is expected to disrupt RNA splicing. Variants that disrupt the donor or acceptor splice site typically lead to a loss of protein function (PMID: 16199547), and loss-of-function variants in MTHFD1 are known to be pathogenic (PMID: 21813566, 25633902). This variant is not present in population databases (gnomAD no frequency). This variant has not been reported in the literature in individuals affected with MTHFD1-related conditions. In summary, the currently available evidence indicates that the variant is pathogenic, but additional data are needed to prove that conclusively. Therefore, this variant has been classified as Likely Pathogenic.

Literature cited by the submitters: PubMed 16199547; PubMed 21813566; PubMed 25633902.